The following is an entry in ClinVar:

ClinVar aggregate classification (germline): Uncertain significance. Review status: criteria provided, multiple submitters, no conflicts (2 of 4 stars). 2 submissions from 2 submitters: Uncertain significance (2). Last evaluated 2022-08-23.

Conditions:
Epidermolysis bullosa simplex with nail dystrophy (EBS5D). Identifiers: MedGen C4225309, MONDO:0014661, OMIM 616487.
Epidermolysis bullosa simplex 5C, with pyloric atresia (EBS5C). Also called: PLEC-Related Epidermolysis Bullosa with Pyloric Atresia; Epidermolysis bullosa simplex with pyloric atresia; PLEC1-Related Epidermolysis Bullosa with Pyloric Atresia. Identifiers: Orphanet 158684, MedGen C2677349, MONDO:0012807, OMIM 612138.
Autosomal recessive limb-girdle muscular dystrophy type 2Q (LGMDR17). Also called: MUSCULAR DYSTROPHY, LIMB-GIRDLE, AUTOSOMAL RECESSIVE 17. Identifiers: Orphanet 254361, MedGen C3150989, MONDO:0013390, OMIM 613723.
Epidermolysis bullosa simplex 5B, with muscular dystrophy (EBS5B). Also called: EPIDERMOLYSIS BULLOSA SIMPLEX AND LIMB-GIRDLE MUSCULAR DYSTROPHY; Epidermolysis bullosa simplex with muscular dystrophy. Identifiers: Orphanet 257, MedGen C2931072, MONDO:0009181, OMIM 226670.
Epidermolysis bullosa simplex, Ogna type (EBS5A). Also called: Pidermolysis bullosa simplex 5A, Ogna type; EPIDERMOLYSIS BULLOSA SIMPLEX 5A, OGNA TYPE. Identifiers: Orphanet 79401, MedGen C0432317, MONDO:0007555, OMIM 131950.

gnomAD v4.1: 1 of 1,537,768 alleles (0.000065%); highest among the groups gnomAD compares: Non-Finnish European, 0.000087%; no homozygotes.

Submissions (2):

Labcorp Genetics (formerly Invitae), Labcorp
Classification: Uncertain significance for Autosomal recessive limb-girdle muscular dystrophy type 2Q; Epidermolysis bullosa simplex, Ogna type; Epidermolysis bullosa simplex with nail dystrophy; Epidermolysis bullosa simplex 5C, with pyloric atresia; Epidermolysis bullosa simplex 5B, with muscular dystrophy. Last evaluated: 2022-08-23. Review status: criteria provided, single submitter. Criteria: Invitae Variant Classification Sherloc (09022015). Collection method: clinical testing. Allele origin: germline.
Comment: In summary, the available evidence is currently insufficient to determine the role of this variant in disease. Therefore, it has been classified as a Variant of Uncertain Significance. Algorithms developed to predict the effect of missense changes on protein structure and function are either unavailable or do not agree on the potential impact of this missense change (SIFT: "Tolerated"; PolyPhen-2: "Not Available"; Align-GVGD: "Class C0"). ClinVar contains an entry for this variant (Variation ID: 283009). This variant has not been reported in the literature in individuals affected with PLEC-related conditions. This variant is not present in population databases (gnomAD no frequency). This sequence change replaces alanine, which is neutral and non-polar, with threonine, which is neutral and polar, at codon 1789 of the PLEC protein (p.Ala1789Thr).

Eurofins Ntd Llc (ga)
Classification: Uncertain significance. Last evaluated: 2015-09-03. Review status: criteria provided, single submitter. Criteria: EGL Classification Definitions 2015. Collection method: clinical testing. Allele origin: germline. Observed: 1 variant allele, 1 heterozygote.

NM_201384.3(PLEC):c.5284G>A (p.Ala1762Thr)

Gene: PLEC (plectin; minus strand). Cytogenetic location: 8q24.3.
Variant type: single nucleotide variant.
Coding change: c.5284G>A on transcript NM_201384.3 (MANE Select); coding-DNA position 5284, G replaced by A.
Protein change: p.Ala1762Thr; replaces alanine 1762 with threonine.
Molecular consequence: missense variant.
Genome position (GRCh38, 1-based): chr8:143,924,645, C>T on the plus strand (G>A on the coding strand, the complement: PLEC is on the minus strand). VCF-style: chr8-143924645-C-T. GRCh37 (hg19) VCF-style: chr8-144998813-C-T.
Other names: c.5365G>A, p.Ala1789Thr (NM_000445.5); c.5242G>A, p.Ala1748Thr (NM_201378.4); c.5218G>A, p.Ala1740Thr (NM_201379.3); c.5695G>A, p.Ala1899Thr (NM_201380.4); c.5188G>A, p.Ala1730Thr (NM_201381.3); c.5284G>A, p.Ala1762Thr (NM_201382.4); c.5296G>A, p.Ala1766Thr (NM_201383.3); short protein forms A1740T, A1766T, A1899T, A1789T, A1730T, A1748T, A1762T.
Identifiers: ClinVar variation 283009 (VCV000283009.9), dbSNP rs886044802, ClinGen allele CA10604367.